The following is an entry in ClinVar:

NM_001844.5(COL2A1):c.906_924+9del

Gene: COL2A1 (collagen type II alpha 1 chain; minus strand). Cytogenetic location: 12q13.11.
Variant type: Deletion.
Coding change: c.906_924+9del on transcript NM_001844.5 (MANE Select); coding-DNA position 906 through 9 bases into the intron after coding-DNA position 924, 28 bases deleted (GGGTGCTCCTGGTGTGAAGGTGAGAGGC).
Molecular consequence: splice donor variant.
Genome position (GRCh38, 1-based): chr12:47,993,800-47,993,827, GCCTCTCACCTTCACACCAGGAGCACCC deleted on the plus strand (GGGTGCTCCTGGTGTGAAGGTGAGAGGC on the coding strand, the reverse complement: COL2A1 is on the minus strand); deleting any 28 consecutive bases within chr12:47,993,800-47,993,834 gives the same sequence; the c. name uses the placement nearest the transcript's 3' end. VCF-style (leftmost placement, unchanged base first): chr12-47993799-GGCCTCTCACCTTCACACCAGGAGCACCC-G. GRCh37 (hg19) VCF-style: chr12-48387582-GGCCTCTCACCTTCACACCAGGAGCACCC-G.
Other names: c.699_717+9del (NM_033150.3).
Identifiers: ClinVar variation 17362 (VCV000017362.4), dbSNP rs2136609285, ClinGen allele CA1139771742.

ClinVar aggregate classification (germline): Pathogenic/Likely pathogenic. Review status: criteria provided, multiple submitters, no conflicts (2 of 4 stars). 4 submissions from 4 submitters: Pathogenic (2); Likely pathogenic (1). 1 of the submissions does not count toward it. Last evaluated 2023-11-16.

Conditions:
COL2A1-related disorder. Also called: COL2A1-related condition; COL2A1-related disorders.
Kniest dysplasia. Identifiers: Orphanet 485, MedGen C0265279, MONDO:0007987, OMIM 156550.

Submissions (4):

3billion
Classification: Pathogenic for Kniest dysplasia. Last evaluated: 2023-11-16. Review status: criteria provided, single submitter. Criteria: ACMG Guidelines, 2015. Collection method: clinical testing. Allele origin: germline. Affected: yes.
Comment: The variant is not observed in the gnomAD v2.1.1 dataset. Predicted consequence - Canonical splice site - predicted to alter splicing and result in a loss or disruption of normal protein function. Multiple pathogenic loss-of-function variants are reported downstream of the variant. In silico tools predict the variant to alter splicing and produce an abnormal transcript [Splice AI: 1.00 (spliceogenicity >=0.2, non-spliceogenicity <0.1)]. The variant has been reported to be associated with COL2A1-related disorder (ClinVar ID: VCV000017362 / PMID: 7981752). Therefore, the variant is classified as pathogenic according to the recommendation of ACMG/AMP guideline.

Blueprint Genetics
Classification: Likely pathogenic for COL2A1-related disorders. Last evaluated: 2019-04-05. Review status: criteria provided, single submitter. Criteria: ACMG Guidelines, 2015. Collection method: clinical testing. Allele origin: germline. Affected: yes. Observed: 1 variant allele.

Suma Genomics
Classification: Pathogenic. Review status: criteria provided, single submitter. Criteria: ACMG Guidelines, 2015. Collection method: clinical testing. Allele origin: germline. Inheritance: Autosomal dominant inheritance. Affected: yes.

OMIM
Classification: Pathogenic for KNIEST DYSPLASIA. Last evaluated: 1999-07-16. Review status: no assertion criteria provided. Collection method: literature only. Allele origin: germline. Not counted in ClinVar's aggregate classification.

Literature cited by the submitters: PubMed 7981752 (cited by 3billion and OMIM); PubMed 10406661 (cited by OMIM); PubMed 4214536 (cited by OMIM); Siggers, D. C. Kniest disease. In: Bergsma, D. (ed.) Skeletal Dysplasias. New York: American Elsevier 432-442, 1974. (cited by OMIM); PubMed 4014370 (cited by OMIM).